The following is an entry in ClinVar:

ClinVar aggregate classification (germline): Uncertain significance. Review status: criteria provided, multiple submitters, no conflicts (2 of 4 stars). 2 submissions from 2 submitters: Uncertain significance (2). Last evaluated 2024-10-27.

Conditions:
Cardiovascular phenotype. Identifiers: MedGen CN230736.

Allele frequency attached by ClinVar (database versions not stated): gnomAD exomes below 0.00001.
gnomAD v4.1: 3 of 1,613,180 alleles (0.00019%); highest among the groups gnomAD compares: South Asian, 0.0011%; no homozygotes.

Submissions (2):

Ambry Genetics
Classification: Uncertain significance for Cardiovascular phenotype. Last evaluated: 2024-10-27. Review status: criteria provided, single submitter. Criteria: Ambry Variant Classification Scheme 2023. Collection method: clinical testing. Allele origin: germline.
Comment: The p.P548L variant (also known as c.1643C>T), located in coding exon 11 of the SCN10A gene, results from a C to T substitution at nucleotide position 1643. The proline at codon 548 is replaced by leucine, an amino acid with similar properties. This amino acid position is conserved. In addition, the in silico prediction for this alteration is inconclusive. Based on the available evidence, the clinical significance of this variant remains unclear.

GeneDx
Classification: Uncertain significance. Last evaluated: 2021-08-24. Review status: criteria provided, single submitter. Criteria: GeneDx Variant Classification Process June 2021. Collection method: clinical testing. Allele origin: germline. Affected: yes.
Comment: Has not been previously published as pathogenic or benign to our knowledge; Not observed at significant frequency in large population cohorts (Lek et al., 2016); In silico analysis supports that this missense variant has a deleterious effect on protein structure/function

NM_006514.4(SCN10A):c.1643C>T (p.Pro548Leu)

Gene: SCN10A (sodium voltage-gated channel alpha subunit 10; minus strand). Cytogenetic location: 3p22.2.
Variant type: single nucleotide variant.
Coding change: c.1643C>T on transcript NM_006514.4 (MANE Select); coding-DNA position 1643, C replaced by T.
Protein change: p.Pro548Leu; replaces proline 548 with leucine.
Molecular consequence: missense variant. On other transcripts: intron variant (1).
Genome position (GRCh38, 1-based): chr3:38,752,331, G>A on the plus strand (C>T on the coding strand, the complement: SCN10A is on the minus strand). VCF-style: chr3-38752331-G-A. GRCh37 (hg19) VCF-style: chr3-38793822-G-A.
Other names: c.1643C>T, p.Pro548Leu (NM_001293306.2); c.1462-2147C>T (NM_001293307.2); short protein forms P548L.
Identifiers: ClinVar variation 1254427 (VCV001254427.3), dbSNP rs1398594024, ClinGen allele CA352167305.